The following is an entry in ClinVar:

ClinVar aggregate classification (germline): Uncertain significance (1 of 4 stars; one submission).

Conditions:
Charcot-Marie-tooth disease, axonal, type 2DD. Also called: CHARCOT-MARIE-TOOTH NEUROPATHY, TYPE 2DD. Identifiers: Orphanet 521414, MedGen C4747974, MONDO:0054833, OMIM 618036.

Submission:

3billion
Classification: Uncertain significance for Charcot-Marie-tooth disease, axonal, type 2DD. Last evaluated: 2022-05-22. Review status: criteria provided, single submitter. Criteria: ACMG Guidelines, 2015. Collection method: clinical testing. Allele origin: germline. Affected: yes. Observed: 1 heterozygote.
Comment: The variant is not observed in the gnomAD v2.1.1 dataset. Missense changes are a common disease-causing mechanism. Therefore, this variant is classified as uncertain significanceaccording to the recommendation of ACMG/AMP guideline.

NM_000701.8(ATP1A1):c.2957C>T (p.Thr986Ile)

Genes: ATP1A1-AS1 (ATP1A1 antisense RNA 1; minus strand), ATP1A1 (ATPase Na+/K+ transporting subunit alpha 1; plus strand). Cytogenetic location: 1p13.1.
Variant type: single nucleotide variant.
Coding change: c.2957C>T on transcript NM_000701.8 (MANE Select); coding-DNA position 2957, C replaced by T.
Protein change: p.Thr986Ile; replaces threonine 986 with isoleucine.
Molecular consequence: missense variant.
Genome position (GRCh38, 1-based): chr1:116,403,889, C>T. VCF-style: chr1-116403889-C-T. GRCh37 (hg19) VCF-style: chr1-116946511-C-T.
Other names: c.2957C>T, p.Thr986Ile (NM_001160233.2); c.2864C>T, p.Thr955Ile (NM_001160234.2); short protein forms T955I, T986I.
Identifiers: ClinVar variation 1687417 (VCV001687417.1), dbSNP rs771215472, ClinGen allele CA29669845.